The following is an entry in ClinVar:

ClinVar aggregate classification (germline): Uncertain significance (1 of 4 stars; one submission).

Conditions:
Vici syndrome (VICIS). Identifiers: Orphanet 1493, MedGen C1855772, MONDO:0009452, OMIM 242840.

Allele frequency attached by ClinVar (database versions not stated): gnomAD exomes below 0.00001.
gnomAD v4.1: 1 of 1,607,198 alleles (0.000062%); highest among the groups gnomAD compares: Admixed American, 0.0017%; no homozygotes.

Submission:

Labcorp Genetics (formerly Invitae), Labcorp
Classification: Uncertain significance for Vici syndrome. Last evaluated: 2024-02-05. Review status: criteria provided, single submitter. Criteria: Invitae Variant Classification Sherloc (09022015). Collection method: clinical testing. Allele origin: germline.
Comment: This sequence change replaces cysteine, which is neutral and slightly polar, with arginine, which is basic and polar, at codon 1727 of the EPG5 protein (p.Cys1727Arg). This variant is not present in population databases (gnomAD no frequency). This variant has not been reported in the literature in individuals affected with EPG5-related conditions. ClinVar contains an entry for this variant (Variation ID: 1939829). Advanced modeling of protein sequence and biophysical properties (such as structural, functional, and spatial information, amino acid conservation, physicochemical variation, residue mobility, and thermodynamic stability) performed at Invitae indicates that this missense variant is expected to disrupt EPG5 protein function with a positive predictive value of 80%. In summary, the available evidence is currently insufficient to determine the role of this variant in disease. Therefore, it has been classified as a Variant of Uncertain Significance.

NM_020964.3(EPG5):c.5179T>C (p.Cys1727Arg)

Gene: EPG5 (ectopic P-granules 5 autophagy tethering factor; minus strand). Cytogenetic location: 18q12.3.
Variant type: single nucleotide variant.
Coding change: c.5179T>C on transcript NM_020964.3 (MANE Select); coding-DNA position 5179, T replaced by C.
Protein change: p.Cys1727Arg; replaces cysteine 1727 with arginine.
Molecular consequence: missense variant.
Genome position (GRCh38, 1-based): chr18:45,884,742, A>G on the plus strand (T>C on the coding strand, the complement: EPG5 is on the minus strand). VCF-style: chr18-45884742-A-G. GRCh37 (hg19) VCF-style: chr18-43464707-A-G.
Other names: c.5179T>C, p.Cys1727Arg (NM_001410858.1, NM_001410859.1); short protein forms C1727R.
Identifiers: ClinVar variation 1939829 (VCV001939829.5), dbSNP rs2511608990, ClinGen allele CA402345657.